The following is an entry in ClinVar:

ClinVar aggregate classification (germline): Uncertain significance. Review status: criteria provided, multiple submitters, no conflicts (2 of 4 stars). 3 submissions from 3 submitters: Uncertain significance (3). Last evaluated 2024-11-11.

Conditions:
Cardiovascular phenotype. Identifiers: MedGen CN230736.
DK1-congenital disorder of glycosylation. Also called: DK1 DEFICIENCY; DOLICHOL KINASE DEFICIENCY; DOLK-congenital disorder of glycosylation; Carbohydrate deficient glycoprotein syndrome type 1m; CONGENITAL DISORDER OF GLYCOSYLATION, TYPE Im; CDG Im. Identifiers: Orphanet 91131, MedGen C1835849, MONDO:0012556, OMIM 610768.

Allele frequency attached by ClinVar (database versions not stated): TOPMed below 0.00001; gnomAD exomes 0.00001.

Submissions (3):

Ambry Genetics
Classification: Uncertain significance for Cardiovascular phenotype. Last evaluated: 2024-11-11. Review status: criteria provided, single submitter. Criteria: Ambry Variant Classification Scheme 2023. Collection method: clinical testing. Allele origin: germline.

Labcorp Genetics (formerly Invitae), Labcorp
Classification: Uncertain significance for DK1-congenital disorder of glycosylation. Last evaluated: 2022-06-23. Review status: criteria provided, single submitter. Criteria: Invitae Variant Classification Sherloc (09022015). Collection method: clinical testing. Allele origin: germline.
Comment: This sequence change replaces glycine, which is neutral and non-polar, with valine, which is neutral and non-polar, at codon 475 of the DOLK protein (p.Gly475Val). This variant is not present in population databases (gnomAD no frequency). This variant has not been reported in the literature in individuals affected with DOLK-related conditions. ClinVar contains an entry for this variant (Variation ID: 1050954). Algorithms developed to predict the effect of missense changes on protein structure and function (SIFT, PolyPhen-2, Align-GVGD) all suggest that this variant is likely to be disruptive. In summary, the available evidence is currently insufficient to determine the role of this variant in disease. Therefore, it has been classified as a Variant of Uncertain Significance.

Fulgent Genetics
Classification: Uncertain significance for DK1-congenital disorder of glycosylation. Last evaluated: 2021-12-02. Review status: criteria provided, single submitter. Criteria: ACMG Guidelines, 2015. Collection method: clinical testing. Allele origin: unknown.

NM_014908.4(DOLK):c.1424G>T (p.Gly475Val)

Gene: DOLK (dolichol kinase; minus strand). Cytogenetic location: 9q34.11.
Variant type: single nucleotide variant.
Coding change: c.1424G>T on transcript NM_014908.4 (MANE Select); coding-DNA position 1424, G replaced by T.
Protein change: p.Gly475Val; replaces glycine 475 with valine.
Molecular consequence: missense variant.
Genome position (GRCh38, 1-based): chr9:128,945,880, C>A on the plus strand (G>T on the coding strand, the complement: DOLK is on the minus strand). VCF-style: chr9-128945880-C-A. GRCh37 (hg19) VCF-style: chr9-131708159-C-A.
Other names: c.1424G>T (NM_014908.3); short protein forms G475V.
Identifiers: ClinVar variation 1050954 (VCV001050954.10), dbSNP rs1588261710, ClinGen allele CA375116755.